The following is an entry in ClinVar:

NM_001556.3(IKBKB):c.-19+8C>T

Genes: IKBKB (inhibitor of nuclear factor kappa B kinase subunit beta; plus strand), LOC130000299 (ATAC-STARR-seq lymphoblastoid silent region 19154; plus strand). Cytogenetic location: 8p11.21.
Variant type: single nucleotide variant.
Coding change: c.-19+8C>T on transcript NM_001556.3 (MANE Select); 8 bases into the intron after 19 bases upstream of the start codon, C replaced by T.
Molecular consequence: intron variant.
Genome position (GRCh38, 1-based): chr8:42,271,477, C>T. VCF-style: chr8-42271477-C-T. GRCh37 (hg19) VCF-style: chr8-42128995-C-T.
Other names: c.-101+8C>T (NM_001242778.2); c.-88+8C>T (NM_001190720.3).
Identifiers: ClinVar variation 3037325 (VCV003037325.4), dbSNP rs761298619, ClinGen allele CA4731520.
Genomic context (GRCh38, chr8:42,271,477, plus strand): 5'-CCGCCTTCCCCGCCCCGGGGAGCCCGCCCCCTGCCCCGCGTCCCTGCCGACAGGTGAGTC[C>T]CCCTCGTGGGTGCGGCCCGGGTGCCACCTGCAGGCCCCGCCGCCCCGCTGCCTGCAAGGC-3'

ClinVar aggregate classification (germline): Benign/Likely benign. Review status: criteria provided, multiple submitters, no conflicts (2 of 4 stars). 3 submissions from 3 submitters: Benign (1); Likely benign (1). 1 of the submissions does not count toward it. Last evaluated 2024-11-21.

Conditions:
IKBKB-related disorder. Also called: IKBKB-related condition.

Allele frequency attached by ClinVar (database versions not stated): 1000 Genomes Project 30x 0.00016.
gnomAD v4.1: 499 of 1,188,000 alleles (0.042%); highest among the groups gnomAD compares: Non-Finnish European, 0.022%; 2 homozygotes.

Submissions (3):

Blueprint Genetics
Classification: Likely benign. Last evaluated: 2024-11-21. Review status: criteria provided, single submitter. Criteria: ACMG Guidelines, 2015. Collection method: clinical testing. Allele origin: germline.

Breakthrough Genomics
Classification: Benign. Review status: criteria provided, single submitter. Criteria: ACMG Guidelines, 2015. Collection method: not provided. Allele origin: germline. Inheritance: Autosomal recessive inheritance. Affected: yes.

PreventionGenetics, part of Exact Sciences
Classification: Benign for IKBKB-related condition. Last evaluated: 2019-09-23. Review status: no assertion criteria provided. Collection method: clinical testing. Allele origin: germline. Not counted in ClinVar's aggregate classification.
Comment: This variant is classified as benign based on ACMG/AMP sequence variant interpretation guidelines (Richards et al. 2015 PMID: 25741868, with internal and published modifications).